The following is an entry in ClinVar:

ClinVar aggregate classification (germline): Pathogenic/Likely pathogenic. Review status: criteria provided, multiple submitters, no conflicts (2 of 4 stars). 7 submissions from 7 submitters: Pathogenic (5); Likely pathogenic (2). Last evaluated 2026-01-15.

Conditions:
DMD-related disorder. Also called: DMD-related condition.
Duchenne muscular dystrophy (DMD). Also called: MUSCULAR DYSTROPHY, PSEUDOHYPERTROPHIC PROGRESSIVE, DUCHENNE TYPE; Duchenne Muscular Dystrophy (DMD). Identifiers: Orphanet 98896, MedGen C0013264, MONDO:0010679, OMIM 310200.

Submissions (7):

Labcorp Genetics (formerly Invitae), Labcorp
Classification: Pathogenic for Duchenne muscular dystrophy. Last evaluated: 2026-01-15. Review status: criteria provided, single submitter. Criteria: Invitae Variant Classification Sherloc (09022015). Collection method: clinical testing. Allele origin: germline.
Comment: This sequence change creates a premature translational stop signal (p.Arg1868Glufs*5) in the DMD gene. It is expected to result in an absent or disrupted protein product. Loss-of-function variants in DMD are known to be pathogenic (PMID: 16770791, 25007885). This variant is not present in population databases (gnomAD no frequency). This premature translational stop signal has been observed in individual(s) with Duchenne muscular dystrophy (PMID: 17041906). ClinVar contains an entry for this variant (Variation ID: 217204). For these reasons, this variant has been classified as Pathogenic.

Revvity Omics, Revvity
Classification: Pathogenic. Last evaluated: 2024-12-03. Review status: criteria provided, single submitter. Criteria: ACMG Guidelines, 2015. Collection method: clinical testing. Allele origin: germline.

Centre of Medical Genetics, University Hospital Muenster
Classification: Likely pathogenic. Last evaluated: 2023-11-24. Review status: criteria provided, single submitter. Criteria: ACMG Guidelines, 2015. Collection method: clinical testing. Allele origin: unknown. Affected: yes. Observed: 1 variant allele.
Comment: ACMG categories: PVS1_strong,PM2_sup,PP5

ARUP Laboratories, Molecular Genetics and Genomics, ARUP Laboratories
Classification: Pathogenic. Last evaluated: 2020-12-22. Review status: criteria provided, single submitter. Criteria: ARUP Molecular Germline Variant Investigation Process 2021. Collection method: clinical testing. Allele origin: germline.
Comment: The DMD c.5602_5605delAGAA; p.Arg1868GlufsTer5 variant (rs863225003) is reported in the literature in one individual with DMD (Deburgrave 2007). The variant is reported as pathogenic in the ClinVar database (Variation ID: 217204) and is absent from general population databases (Exome Variant Server, Genome Aggregation Database), indicating it is not a common polymorphism. This variant causes a frameshift by deleting four nucleotides, so it is predicted to result in a truncated protein or mRNA subject to nonsense-mediated decay. Based on available information, this variant is considered to be pathogenic. References: Deburgrave et al. Protein- and mRNA-based phenotype-genotype correlations in DMD/BMD with point mutations and molecular basis for BMD with nonsense and frameshift mutations in the DMD gene. Hum Mutat. 2007 Feb;28(2):183-95.

Blueprint Genetics
Classification: Likely pathogenic for DMD-related disorders. Last evaluated: 2017-11-27. Review status: criteria provided, single submitter. Criteria: ACMG Guidelines, 2015. Collection method: clinical testing. Allele origin: germline. Affected: yes. Observed: 2 variant alleles.

Eurofins Ntd Llc (ga)
Classification: Pathogenic. Last evaluated: 2016-07-28. Review status: criteria provided, single submitter. Criteria: EGL Classification Definitions 2015. Collection method: clinical testing. Allele origin: germline. Observed: 1 variant allele, 1 heterozygote.

Athena Diagnostics
Classification: Pathogenic for Duchenne muscular dystrophy. Last evaluated: 2014-01-21. Review status: criteria provided, single submitter. Criteria: Athena Diagnostics Criteria. Collection method: clinical testing. Allele origin: germline. Inheritance: X-linked recessive inheritance.
Comment: X-linked recessive inheritance

Literature cited by the submitters: PubMed 16770791 (cited by Labcorp Genetics (formerly Invitae), Labcorp); PubMed 25007885 (cited by Labcorp Genetics (formerly Invitae), Labcorp); PubMed 17041906 (cited by Labcorp Genetics (formerly Invitae), Labcorp and Athena Diagnostics).

NM_004006.3(DMD):c.5602_5605del (p.Arg1868fs)

Gene: DMD (dystrophin; minus strand). Cytogenetic location: Xp21.1.
Variant type: Deletion.
Coding change: c.5602_5605del on transcript NM_004006.3 (MANE Select); coding-DNA positions 5602 to 5605, 4 bases deleted (AGAA; older notation c.5602_5605delAGAA).
Protein change: p.Arg1868fs; shifts the reading frame from arginine 1868.
Molecular consequence: frameshift variant.
Genome position (GRCh38, 1-based): chrX:32,343,268-32,343,271, TTCT deleted on the plus strand (AGAA on the coding strand, the reverse complement: DMD is on the minus strand); deleting any 4 consecutive bases within chrX:32,343,268-32,343,273 gives the same sequence; the c. name uses the placement nearest the transcript's 3' end. VCF-style (leftmost placement, unchanged base first): chrX-32343267-CTTCT-C. GRCh37 (hg19) VCF-style: chrX-32361384-CTTCT-C.
Other names: c.5578_5581del, p.Arg1860fs (NM_000109.4); c.5590_5593del, p.Arg1864fs (NM_004009.3); c.5233_5236del, p.Arg1745fs (NM_004010.3); c.1579_1582del, p.Arg527fs (NM_004011.4); c.1570_1573del, p.Arg524fs (NM_004012.4); short protein forms R527fs, R1860fs, R1864fs, R1745fs, R1868fs, R524fs.
Identifiers: ClinVar variation 217204 (VCV000217204.25), dbSNP rs863225003, ClinGen allele CA347483.